The following is an entry in ClinVar:

NM_002334.4(LRP4):c.637G>A (p.Asp213Asn)

Gene: LRP4 (LDL receptor related protein 4; minus strand). Cytogenetic location: 11p11.2.
Variant type: single nucleotide variant.
Coding change: c.637G>A on transcript NM_002334.4 (MANE Select); coding-DNA position 637, G replaced by A.
Protein change: p.Asp213Asn; replaces aspartic acid 213 with asparagine.
Molecular consequence: missense variant.
Genome position (GRCh38, 1-based): chr11:46,898,943, C>T on the plus strand (G>A on the coding strand, the complement: LRP4 is on the minus strand). VCF-style: chr11-46898943-C-T. GRCh37 (hg19) VCF-style: chr11-46920494-C-T.
Other names: short protein forms D213N.
Identifiers: ClinVar variation 2047246 (VCV002047246.4), dbSNP rs754099043, ClinGen allele CA5970435.

ClinVar aggregate classification (germline): Uncertain significance (1 of 4 stars; one submission).

Conditions:
Sclerosteosis 2 (SOST2). Identifiers: Orphanet 3152, MedGen C3280402, MONDO:0013679, OMIM 614305.
Congenital myasthenic syndrome 17. Identifiers: Orphanet 590, MedGen C4225377, MONDO:0014578, OMIM 616304.
Cenani-Lenz syndactyly syndrome. Also called: CENANI SYNDACTYLISM; SYNDACTYLY, TYPE VII. Identifiers: Orphanet 3258, MedGen C1859309, MONDO:0008931, OMIM 212780.

Allele frequency attached by ClinVar (database versions not stated): ExAC 0.00001; TOPMed 0.00001.
gnomAD v4.1: 10 of 1,613,888 alleles (0.00062%); highest among the groups gnomAD compares: South Asian, 0.0033%; no homozygotes.

Submission:

Labcorp Genetics (formerly Invitae), Labcorp
Classification: Uncertain significance for Cenani-Lenz syndactyly syndrome; Sclerosteosis 2; Congenital myasthenic syndrome 17. Last evaluated: 2022-05-12. Review status: criteria provided, single submitter. Criteria: Invitae Variant Classification Sherloc (09022015). Collection method: clinical testing. Allele origin: germline.
Comment: In summary, the available evidence is currently insufficient to determine the role of this variant in disease. Therefore, it has been classified as a Variant of Uncertain Significance. Algorithms developed to predict the effect of missense changes on protein structure and function are either unavailable or do not agree on the potential impact of this missense change (SIFT: "Deleterious"; PolyPhen-2: "Probably Damaging"; Align-GVGD: "Class C0"). This variant has not been reported in the literature in individuals affected with LRP4-related conditions. This variant is present in population databases (rs754099043, gnomAD 0.007%). This sequence change replaces aspartic acid, which is acidic and polar, with asparagine, which is neutral and polar, at codon 213 of the LRP4 protein (p.Asp213Asn).